The following is an entry in ClinVar:

NM_001134363.3(RBM20):c.2536A>G (p.Met846Val)

Gene: RBM20 (RNA binding motif protein 20; plus strand). Cytogenetic location: 10q25.2.
Variant type: single nucleotide variant.
Coding change: c.2536A>G on transcript NM_001134363.3 (MANE Select); coding-DNA position 2536, A replaced by G.
Protein change: p.Met846Val; replaces methionine 846 with valine.
Molecular consequence: missense variant.
Genome position (GRCh38, 1-based): chr10:110,812,933, A>G. VCF-style: chr10-110812933-A-G. GRCh37 (hg19) VCF-style: chr10-112572691-A-G.
Other names: short protein forms M846V.
Identifiers: ClinVar variation 3700440 (VCV003700440.2).

ClinVar aggregate classification (germline): Uncertain significance (1 of 4 stars; one submission).

Conditions:
Dilated cardiomyopathy 1DD (CMD1DD). Identifiers: Orphanet 154, MedGen C2750995, MONDO:0013168, OMIM 613172.

gnomAD v4.1: 2 of 1,449,434 alleles (0.00014%); highest among the groups gnomAD compares: South Asian, 0.0015%; no homozygotes.

Submission:

Labcorp Genetics (formerly Invitae), Labcorp
Classification: Uncertain significance for Dilated cardiomyopathy 1DD. Last evaluated: 2024-09-26. Review status: criteria provided, single submitter. Criteria: Invitae Variant Classification Sherloc (09022015). Collection method: clinical testing. Allele origin: germline.
Comment: This sequence change replaces methionine, which is neutral and non-polar, with valine, which is neutral and non-polar, at codon 846 of the RBM20 protein (p.Met846Val). This variant is not present in population databases (gnomAD no frequency). This variant has not been reported in the literature in individuals affected with RBM20-related conditions. Invitae Evidence Modeling of protein sequence and biophysical properties (such as structural, functional, and spatial information, amino acid conservation, physicochemical variation, residue mobility, and thermodynamic stability) indicates that this missense variant is not expected to disrupt RBM20 protein function with a negative predictive value of 95%. In summary, the available evidence is currently insufficient to determine the role of this variant in disease. Therefore, it has been classified as a Variant of Uncertain Significance.